The following is an entry in ClinVar:

NM_000051.4(ATM):c.9026T>G (p.Val3009Gly)

Genes: ATM (ATM serine/threonine kinase; plus strand), C11orf65 (chromosome 11 open reading frame 65; minus strand). Cytogenetic location: 11q22.3.
Variant type: single nucleotide variant.
Coding change: c.9026T>G on transcript NM_000051.4 (MANE Select); coding-DNA position 9026, T replaced by G.
Protein change: p.Val3009Gly; replaces valine 3009 with glycine.
Molecular consequence: missense variant. On other transcripts: intron variant (2).
Genome position (GRCh38, 1-based): chr11:108,365,363, T>G. VCF-style: chr11-108365363-T-G. GRCh37 (hg19) VCF-style: chr11-108236090-T-G.
Other names: c.9026T>G, p.Val3009Gly (NM_001351834.2); c.640+20557A>C (NM_001330368.2); c.694+20557A>C (NM_001351110.2); short protein forms V3009G.
Identifiers: ClinVar variation 576270 (VCV000576270.10), dbSNP rs1565608934, ClinGen allele CA382531150.
Genomic context (GRCh38, chr11:108,365,363, plus strand): 5'-ACCTTTGTGTTTTTGTCCTTAGTGATATTGACCAGAGTTTCAACAAAGTAGCTGAACGTG[T>G]CTTAATGAGACTACAAGAGAAACTGAAAGGAGTGGAAGAAGGCACTGTGCTCAGTGTTGG-3'
Protein context (NP_000042.3, residues 2999-3019): DQSFNKVAER[Val3009Gly]LMRLQEKLKG

ClinVar aggregate classification (germline): Uncertain significance. Review status: criteria provided, multiple submitters, no conflicts (2 of 4 stars). 2 submissions from 2 submitters: Uncertain significance (2). Last evaluated 2024-01-24.

Conditions:
Hereditary cancer-predisposing syndrome. Also called: Hereditary Cancer Syndrome; Neoplastic Syndromes, Hereditary; Tumor predisposition; Hereditary neoplastic syndrome. Identifiers: Orphanet 140162, MedGen C0027672, MeSH D009386, MONDO:0015356.
Ataxia-telangiectasia syndrome (AT). Also called: Cerebello-oculocutaneous telangiectasia; Immunodeficiency with ataxia telangiectasia; Ataxia-telangiectasia, complementation group E; Ataxia-telangiectasia, complementation group D; AT, COMPLEMENTATION GROUP C; ATAXIA-TELANGIECTASIA, COMPLEMENTATION GROUP A. Identifiers: Orphanet 100, MedGen C0004135, MONDO:0008840, OMIM 208900.

Submissions (2):

Ambry Genetics
Classification: Uncertain significance for Hereditary cancer-predisposing syndrome. Last evaluated: 2024-01-24. Review status: criteria provided, single submitter. Criteria: Ambry Variant Classification Scheme 2023. Collection method: clinical testing. Allele origin: germline.
Comment: The p.V3009G variant (also known as c.9026T>G), located in coding exon 62 of the ATM gene, results from a T to G substitution at nucleotide position 9026. The valine at codon 3009 is replaced by glycine, an amino acid with dissimilar properties. This alteration was observed in 1/7,051 unselected female breast cancer patients and was not observed in 11,241 female controls of Japanese ancestry (Momozawa Y et al. Nat Commun, 2018 Oct;9:4083). This amino acid position is highly conserved in available vertebrate species. In addition, the in silico prediction for this alteration is inconclusive. Based on the available evidence, the clinical significance of this alteration remains unclear.

Labcorp Genetics (formerly Invitae), Labcorp
Classification: Uncertain significance for Ataxia-telangiectasia syndrome. Last evaluated: 2022-02-20. Review status: criteria provided, single submitter. Criteria: Invitae Variant Classification Sherloc (09022015). Collection method: clinical testing. Allele origin: germline.
Comment: In summary, the available evidence is currently insufficient to determine the role of this variant in disease. Therefore, it has been classified as a Variant of Uncertain Significance. Algorithms developed to predict the effect of missense changes on protein structure and function (SIFT, PolyPhen-2, Align-GVGD) all suggest that this variant is likely to be disruptive. ClinVar contains an entry for this variant (Variation ID: 576270). This missense change has been observed in individual(s) with breast cancer (PMID: 30287823). This variant is not present in population databases (gnomAD no frequency). This sequence change replaces valine, which is neutral and non-polar, with glycine, which is neutral and non-polar, at codon 3009 of the ATM protein (p.Val3009Gly).

Literature cited by the submitters: PubMed 30287823 (cited by Ambry Genetics and Labcorp Genetics (formerly Invitae), Labcorp).